The following is an entry in ClinVar:

NM_007294.4(BRCA1):c.2342A>T (p.Glu781Val)

Gene: BRCA1 (BRCA1 DNA repair associated; minus strand). Cytogenetic location: 17q21.31.
Variant type: single nucleotide variant.
Coding change: c.2342A>T on transcript NM_007294.4 (MANE Select); coding-DNA position 2342, A replaced by T.
Protein change: p.Glu781Val; replaces glutamic acid 781 with valine.
Molecular consequence: missense variant. On other transcripts: intron variant (137).
Genome position (GRCh38, 1-based): chr17:43,093,189, T>A on the plus strand (A>T on the coding strand, the complement: BRCA1 is on the minus strand). VCF-style: chr17-43093189-T-A. GRCh37 (hg19) VCF-style: chr17-41245206-T-A.
Other names: c.2129A>T, p.Glu710Val (NM_001407571.1, NM_001407853.1, NM_001407894.1 and 9 more transcripts); c.2342A>T, p.Glu781Val (NM_001407581.1, NM_001407582.1, NM_001407583.1 and 30 more transcripts); c.2339A>T, p.Glu780Val (NM_001407587.1, NM_001407590.1, NM_001407591.1 and 22 more transcripts); c.2333A>T, p.Glu778Val (NM_001407646.1, NM_001407647.1); c.2219A>T, p.Glu740Val (NM_001407648.1, NM_001407664.1, NM_001407665.1 and 19 more transcripts); c.2216A>T, p.Glu739Val (NM_001407649.1, NM_001407670.1, NM_001407671.1 and 11 more transcripts); c.2264A>T, p.Glu755Val (NM_001407663.1, NM_001407653.1, NM_001407654.1 and 4 more transcripts); c.2201A>T, p.Glu734Val (NM_001407727.1, NM_001407728.1, NM_001407729.1 and 29 more transcripts); and 41 more; short protein forms E485V, E613V, E653V, E654V, E669V, E670V, E692V, E693V.
Identifiers: ClinVar variation 4856542 (VCV004856542.1).

ClinVar aggregate classification (germline): Uncertain significance (1 of 4 stars; one submission).

Conditions:
Breast-ovarian cancer, familial, susceptibility to, 1 (BROVCA1). Also called: OVARIAN CANCER, SUSCEPTIBILITY TO; BRCA1 Hereditary Breast and Ovarian Cancer. Identifiers: Orphanet 145, MedGen C2676676, MONDO:0011450, OMIM 604370. Disease mechanism: loss of function.

gnomAD v4.1: 1 of 1,613,960 alleles (0.000062%); highest among the groups gnomAD compares: South Asian, 0.0011%; no homozygotes.

Submission:

Cancer Bioinformatics and Tumour Evolution Laboratory, Monash University
Classification: Uncertain significance for Breast-ovarian cancer, familial, susceptibility to, 1. Last evaluated: 2026-05-01. Review status: criteria provided, single submitter. Criteria: ClinGen BRCA1 and BRCA2 Guidelines, 2024. Collection method: curation. Allele origin: germline. Inheritance: Autosomal dominant inheritance.
Comment: Variant is a missense variant outside the functional domains. But it has a predicted splice impact according to SpliceAI: Donor Gain score of 0.27 (2bp). Hence, PP3 is applied.